The following is an entry in ClinVar:

NM_001367624.2(ZNF469):c.6014A>G (p.Asn2005Ser)

Gene: ZNF469 (zinc finger protein 469; plus strand). Cytogenetic location: 16q24.2.
Variant type: single nucleotide variant.
Coding change: c.6014A>G on transcript NM_001367624.2 (MANE Select); coding-DNA position 6014, A replaced by G.
Protein change: p.Asn2005Ser; replaces asparagine 2005 with serine.
Molecular consequence: missense variant.
Genome position (GRCh38, 1-based): chr16:88,433,484, A>G. VCF-style: chr16-88433484-A-G. GRCh37 (hg19) VCF-style: chr16-88499892-A-G.
Other names: NM_001127464.1:c.5930A>G; short protein forms N2005S.
Identifiers: ClinVar variation 1750573 (VCV001750573.2), dbSNP rs1906344174, ClinGen allele CA397103601.

ClinVar aggregate classification (germline): Uncertain significance (1 of 4 stars; one submission).

Conditions:
Cardiovascular phenotype. Identifiers: MedGen CN230736.

Allele frequency attached by ClinVar (database versions not stated): gnomAD exomes below 0.00001; TOPMed below 0.00001.
gnomAD v4.1: 2 of 1,550,370 alleles (0.00013%); highest among the groups gnomAD compares: Non-Finnish European, 0.00017%; no homozygotes.

Submission:

Ambry Genetics
Classification: Uncertain significance for Cardiovascular phenotype. Last evaluated: 2022-07-11. Review status: criteria provided, single submitter. Criteria: Ambry Variant Classification Scheme 2023. Collection method: clinical testing. Allele origin: germline.
Comment: The p.N1977S variant (also known as c.5930A>G), located in coding exon 2 of the ZNF469 gene, results from an A to G substitution at nucleotide position 5930. The asparagine at codon 1977 is replaced by serine, an amino acid with highly similar properties. This amino acid position is conserved. In addition, this alteration is predicted to be tolerated by in silico analysis. Since supporting evidence is limited at this time, the clinical significance of this alteration remains unclear.